The following is an entry in ClinVar:

ClinVar aggregate classification (germline): Uncertain significance (1 of 4 stars; one submission).

Submission:

Labcorp Genetics (formerly Invitae), Labcorp
Classification: Uncertain significance. Last evaluated: 2024-10-24. Review status: criteria provided, single submitter. Criteria: Invitae Variant Classification Sherloc (09022015). Collection method: clinical testing. Allele origin: germline.
Comment: This sequence change replaces serine, which is neutral and polar, with proline, which is neutral and non-polar, at codon 876 of the C6 protein (p.Ser876Pro). This variant is not present in population databases (gnomAD no frequency). This variant has not been reported in the literature in individuals affected with C6-related conditions. ClinVar contains an entry for this variant (Variation ID: 2013505). An algorithm developed to predict the effect of missense changes on protein structure and function outputs the following: PolyPhen-2: "Benign". The proline amino acid residue is found in multiple mammalian species, which suggests that this missense change does not adversely affect protein function. In summary, the available evidence is currently insufficient to determine the role of this variant in disease. Therefore, it has been classified as a Variant of Uncertain Significance.

NM_000065.5(C6):c.2626T>C (p.Ser876Pro)

Gene: C6 (complement C6; minus strand). Cytogenetic location: 5p13.1.
Variant type: single nucleotide variant.
Coding change: c.2626T>C on transcript NM_000065.5 (MANE Select); coding-DNA position 2626, T replaced by C.
Protein change: p.Ser876Pro; replaces serine 876 with proline.
Molecular consequence: missense variant.
Genome position (GRCh38, 1-based): chr5:41,143,004, A>G on the plus strand (T>C on the coding strand, the complement: C6 is on the minus strand). VCF-style: chr5-41143004-A-G. GRCh37 (hg19) VCF-style: chr5-41143106-A-G.
Other names: c.2626T>C, p.Ser876Pro (NM_001115131.4); short protein forms S876P.
Identifiers: ClinVar variation 2013505 (VCV002013505.4), dbSNP rs770926440, ClinGen allele CA359592253.